The following is an entry in ClinVar:

ClinVar aggregate classification (germline): Uncertain significance. Review status: criteria provided, multiple submitters, no conflicts (2 of 4 stars). 2 submissions from 2 submitters: Uncertain significance (2). Last evaluated 2025-11-04.

Conditions:
Primary ciliary dyskinesia 23 (CILD23). Also called: CILIARY DYSKINESIA, PRIMARY, 23, WITH OR WITHOUT SITUS INVERSUS. Identifiers: Orphanet 244, MedGen C3809548, MONDO:0014193, OMIM 615451.
Primary ciliary dyskinesia. Also called: Ciliary dyskinesia. Identifiers: Orphanet 244, MedGen C0008780, MONDO:0016575, HP:0012265.

Allele frequency attached by ClinVar (database versions not stated): gnomAD 0.00001; TOPMed 0.00001; gnomAD exomes 0.00003 and 0.00007; ExAC 0.00011.
gnomAD v4.1: 39 of 1,614,066 alleles (0.0024%); highest among the groups gnomAD compares: Non-Finnish European, 0.0031%; no homozygotes.

Submissions (2):

Ambry Genetics
Classification: Uncertain significance for Primary ciliary dyskinesia. Last evaluated: 2025-11-04. Review status: criteria provided, single submitter. Criteria: Ambry Variant Classification Scheme 2023. Collection method: clinical testing. Allele origin: germline.
Comment: The p.E48G variant (also known as c.143A>G), located in coding exon 1 of the ARMC4 gene, results from an A to G substitution at nucleotide position 143. The glutamic acid at codon 48 is replaced by glycine, an amino acid with similar properties. This amino acid position is conserved. In addition, this alteration is predicted to be tolerated by in silico analysis. Based on the available evidence, the clinical significance of this variant remains unclear.

Labcorp Genetics (formerly Invitae), Labcorp
Classification: Uncertain significance for Primary ciliary dyskinesia 23. Last evaluated: 2022-03-13. Review status: criteria provided, single submitter. Criteria: Invitae Variant Classification Sherloc (09022015). Collection method: clinical testing. Allele origin: germline.
Comment: In summary, the available evidence is currently insufficient to determine the role of this variant in disease. Therefore, it has been classified as a Variant of Uncertain Significance. Algorithms developed to predict the effect of missense changes on protein structure and function are either unavailable or do not agree on the potential impact of this missense change (SIFT: "Deleterious"; PolyPhen-2: "Probably Damaging"; Align-GVGD: "Class C0"). This variant is present in population databases (rs751140455, gnomAD 0.01%). This sequence change replaces glutamic acid, which is acidic and polar, with glycine, which is neutral and non-polar, at codon 48 of the ARMC4 protein (p.Glu48Gly). This variant has not been reported in the literature in individuals affected with ARMC4-related conditions.

NM_018076.5(ODAD2):c.143A>G (p.Glu48Gly)

Genes: ODAD2 (outer dynein arm docking complex subunit 2; minus strand), LOC126860891 (CDK7 strongly-dependent group 2 enhancer GRCh37_chr10:28283413-28284612; plus strand). Cytogenetic location: 10p12.1.
Variant type: single nucleotide variant.
Coding change: c.143A>G on transcript NM_018076.5 (MANE Select); coding-DNA position 143, A replaced by G.
Protein change: p.Glu48Gly; replaces glutamic acid 48 with glycine.
Molecular consequence: missense variant.
Genome position (GRCh38, 1-based): chr10:27,995,000, T>C on the plus strand (A>G on the coding strand, the complement: ODAD2 is on the minus strand). VCF-style: chr10-27995000-T-C. GRCh37 (hg19) VCF-style: chr10-28283929-T-C.
Other names: c.143A>G, p.Glu48Gly (NM_001290020.2); c.143A>G (NM_018076.2); short protein forms E48G.
Identifiers: ClinVar variation 1681403 (VCV001681403.6), dbSNP rs751140455, ClinGen allele CA5453900.